The following is an entry in ClinVar:

ClinVar aggregate classification (germline): Uncertain significance (1 of 4 stars; one submission).

Allele frequency attached by ClinVar (database versions not stated): gnomAD exomes 0.00002 and 0.00003; TOPMed 0.00002; gnomAD 0.00004.
gnomAD v4.1: 45 of 1,550,508 alleles (0.0029%); highest among the groups gnomAD compares: Non-Finnish European, 0.0038%; no homozygotes.

Submission:

Labcorp Genetics (formerly Invitae), Labcorp
Classification: Uncertain significance. Last evaluated: 2022-09-27. Review status: criteria provided, single submitter. Criteria: Invitae Variant Classification Sherloc (09022015). Collection method: clinical testing. Allele origin: germline.
Comment: This sequence change replaces arginine, which is basic and polar, with cysteine, which is neutral and slightly polar, at codon 524 of the PDZD7 protein (p.Arg524Cys). This variant is present in population databases (no rsID available, gnomAD 0.01%). This variant has not been reported in the literature in individuals affected with PDZD7-related conditions. ClinVar contains an entry for this variant (Variation ID: 959911). Advanced modeling of protein sequence and biophysical properties (such as structural, functional, and spatial information, amino acid conservation, physicochemical variation, residue mobility, and thermodynamic stability) performed at Invitae indicates that this missense variant is not expected to disrupt PDZD7 protein function. In summary, the available evidence is currently insufficient to determine the role of this variant in disease. Therefore, it has been classified as a Variant of Uncertain Significance.

NM_001195263.2(PDZD7):c.1570C>T (p.Arg524Cys)

Gene: PDZD7 (PDZ domain containing 7; minus strand). Cytogenetic location: 10q24.31.
Variant type: single nucleotide variant.
Coding change: c.1570C>T on transcript NM_001195263.2 (MANE Select); coding-DNA position 1570, C replaced by T.
Protein change: p.Arg524Cys; replaces arginine 524 with cysteine.
Molecular consequence: missense variant.
Genome position (GRCh38, 1-based): chr10:101,016,380, G>A on the plus strand (C>T on the coding strand, the complement: PDZD7 is on the minus strand). VCF-style: chr10-101016380-G-A. GRCh37 (hg19) VCF-style: chr10-102776137-G-A.
Other names: short protein forms R524C.
Identifiers: ClinVar variation 959911 (VCV000959911.7), dbSNP rs1020577070, ClinGen allele CA212982264.